The following is an entry in ClinVar:

NM_024675.4(PALB2):c.3334C>T (p.Pro1112Ser)

Gene: PALB2 (partner and localizer of BRCA2; minus strand). Cytogenetic location: 16p12.2.
Variant type: single nucleotide variant.
Coding change: c.3334C>T on transcript NM_024675.4 (MANE Select); coding-DNA position 3334, C replaced by T.
Protein change: p.Pro1112Ser; replaces proline 1112 with serine.
Molecular consequence: missense variant.
Genome position (GRCh38, 1-based): chr16:23,607,880, G>A on the plus strand (C>T on the coding strand, the complement: PALB2 is on the minus strand). VCF-style: chr16-23607880-G-A. GRCh37 (hg19) VCF-style: chr16-23619201-G-A.
Other names: c.3334C>T (NM_024675.3); short protein forms P1112S.
Identifiers: ClinVar variation 1396504 (VCV001396504.11), dbSNP rs2142271325, ClinGen allele CA395139311.

ClinVar aggregate classification (germline): Uncertain significance. Review status: criteria provided, multiple submitters, no conflicts (2 of 4 stars). 3 submissions from 3 submitters: Uncertain significance (3). Last evaluated 2023-10-30.

Conditions:
Breast-ovarian cancer, familial, susceptibility to, 5 (BROVCA5). Identifiers: MedGen C5830615, MONDO:0957530, OMIM 620442.
Hereditary cancer-predisposing syndrome. Also called: Neoplastic Syndromes, Hereditary; Hereditary neoplastic syndrome; Tumor predisposition; Hereditary Cancer Syndrome. Identifiers: Orphanet 140162, MedGen C0027672, MeSH D009386, MONDO:0015356.
Familial cancer of breast. Also called: hereditary breast carcinoma; BREAST CANCER, FAMILIAL; Hereditary breast cancer. Identifiers: Orphanet 227535, MedGen C0346153, MONDO:0016419, OMIM 114480. Disease mechanism: loss of function.

Submissions (3):

Department of Pathology and Laboratory Medicine, Sinai Health System
Classification: Uncertain significance for Breast-ovarian cancer, familial, susceptibility to, 5. Last evaluated: 2023-10-30. Review status: criteria provided, single submitter. Criteria: ACMG Guidelines, 2015. Collection method: clinical testing. Allele origin: germline. Affected: yes.

Labcorp Genetics (formerly Invitae), Labcorp
Classification: Uncertain significance for Familial cancer of breast. Last evaluated: 2020-12-10. Review status: criteria provided, single submitter. Criteria: Invitae Variant Classification Sherloc (09022015). Collection method: clinical testing. Allele origin: germline.
Comment: In summary, the available evidence is currently insufficient to determine the role of this variant in disease. Therefore, it has been classified as a Variant of Uncertain Significance. Algorithms developed to predict the effect of missense changes on protein structure and function (SIFT, PolyPhen-2, Align-GVGD) all suggest that this variant is likely to be tolerated, but these predictions have not been confirmed by published functional studies and their clinical significance is uncertain. This variant has not been reported in the literature in individuals with PALB2-related conditions. This sequence change replaces proline with serine at codon 1112 of the PALB2 protein (p.Pro1112Ser). The proline residue is weakly conserved and there is a moderate physicochemical difference between proline and serine. This variant is not present in population databases (ExAC no frequency).

Ambry Genetics
Classification: Uncertain significance for Hereditary cancer-predisposing syndrome. Last evaluated: 2020-10-01. Review status: criteria provided, single submitter. Criteria: Ambry Variant Classification Scheme 2023. Collection method: clinical testing. Allele origin: germline.